The following is an entry in ClinVar:

NM_024899.4(CEP76):c.607G>C (p.Gly203Arg)

Genes: CEP76 (centrosomal protein 76; minus strand), PSMG2 (proteasome assembly chaperone 2; plus strand). Cytogenetic location: 18p11.21.
Variant type: single nucleotide variant.
Coding change: c.607G>C on transcript NM_024899.4 (MANE Select); coding-DNA position 607, G replaced by C.
Protein change: p.Gly203Arg; replaces glycine 203 with arginine.
Molecular consequence: missense variant. On other transcripts: non-coding transcript variant (1), intron variant (1).
Genome position (GRCh38, 1-based): chr18:12,697,322, C>G on the plus strand (G>C on the coding strand, the complement: CEP76 is on the minus strand). VCF-style: chr18-12697322-C-G. GRCh37 (hg19) VCF-style: chr18-12697321-C-G.
Other names: c.382G>C, p.Gly128Arg (NM_001271989.2); c.-36-9228C>G (NM_147163.2); short protein forms G128R, G203R.
Identifiers: ClinVar variation 3050295 (VCV003050295.2), dbSNP rs74943012, ClinGen allele CA8898052.

ClinVar aggregate classification (germline): Benign (0 of 4 stars; one submission).

Conditions:
CEP76-related disorder. Also called: CEP76-related condition.

Allele frequency attached by ClinVar (database versions not stated): gnomAD exomes 0.00090; ExAC 0.00119; ESP Exome Variant Server 0.00177; TOPMed 0.00219; 1000 Genomes Project 0.00160; 1000 Genomes Project 30x 0.00156.
gnomAD v4.1: 1,650 of 1,613,796 alleles (0.1%); highest among the groups gnomAD compares: Middle Eastern, 1%; 5 homozygotes.

Submission:

PreventionGenetics, part of Exact Sciences
Classification: Benign for CEP76-related condition. Last evaluated: 2019-08-12. Review status: no assertion criteria provided. Collection method: clinical testing. Allele origin: germline.
Comment: This variant is classified as benign based on ACMG/AMP sequence variant interpretation guidelines (Richards et al. 2015 PMID: 25741868, with internal and published modifications).